The following is an entry in ClinVar:

ClinVar aggregate classification (germline): Benign/Likely benign. Review status: criteria provided, multiple submitters, no conflicts (2 of 4 stars). 3 submissions from 3 submitters: Benign (1); Likely benign (1). 1 of the submissions does not count toward it. Last evaluated 2026-01-05.

Conditions:
DNM1L-related disorder. Also called: DNM1L-related condition.

Submissions (3):

Labcorp Genetics (formerly Invitae), Labcorp
Classification: Benign. Last evaluated: 2026-01-05. Review status: criteria provided, single submitter. Criteria: Invitae Variant Classification Sherloc (09022015). Collection method: clinical testing. Allele origin: germline.

GeneDx
Classification: Likely benign. Last evaluated: 2018-05-03. Review status: criteria provided, single submitter. Criteria: GeneDx Variant Classification (06012015). Collection method: clinical testing. Allele origin: germline. Affected: yes.
Comment: This variant is considered likely benign or benign based on one or more of the following criteria: it is a conservative change, it occurs at a poorly conserved position in the protein, it is predicted to be benign by multiple in silico algorithms, and/or has population frequency not consistent with disease.

PreventionGenetics, part of Exact Sciences
Classification: Likely benign for DNM1L-related condition. Last evaluated: 2022-03-21. Review status: no assertion criteria provided. Collection method: clinical testing. Allele origin: germline. Not counted in ClinVar's aggregate classification.
Comment: This variant is classified as likely benign based on ACMG/AMP sequence variant interpretation guidelines (Richards et al. 2015 PMID: 25741868, with internal and published modifications).

NM_012062.5(DNM1L):c.1596+9dup

Gene: DNM1L (dynamin 1 like; plus strand). Cytogenetic location: 12p11.21.
Variant type: Duplication.
Coding change: c.1596+9dup on transcript NM_012062.5 (MANE Select); 9 bases into the intron after coding-DNA position 1596, one base duplicated (A; older notation c.1596+9dupA).
Molecular consequence: intron variant.
Genome position (GRCh38, 1-based): chr12:32,737,170, A duplicated; the last of 7 consecutive A bases (chr12:32,737,164-32,737,170); duplicating any one gives the same sequence. VCF-style (leftmost placement, unchanged base first): chr12-32737163-T-TA. GRCh37 (hg19) VCF-style: chr12-32890097-T-TA.
Other names: c.1635+9dup (NM_001278464.2, NM_001278465.2, NM_001330380.2); c.987+9dup (NM_001278466.2); c.1596+9dup (NM_001278463.2, NM_012063.4, NM_005690.5); c.1596+9dupA (NM_012062.4).
Identifiers: ClinVar variation 668707 (VCV000668707.10), dbSNP rs751818084, ClinGen allele CA6507596.